The following is an entry in ClinVar:

ClinVar aggregate classification (germline): Uncertain significance (1 of 4 stars; one submission).

Conditions:
Arterial calcification, generalized, of infancy, 2. Identifiers: Orphanet 51608, MedGen C3276161, MONDO:0013768, OMIM 614473.
Autosomal recessive inherited pseudoxanthoma elasticum (PXE). Identifiers: Orphanet 758, MedGen CN032334, MONDO:0009925, OMIM 264800.

Submission:

Juno Genomics, Hangzhou Juno Genomics, Inc
Classification: Uncertain significance for Arterial calcification, generalized, of infancy, 2; Autosomal recessive inherited pseudoxanthoma elasticum. Review status: criteria provided, single submitter. Criteria: ACMG Guidelines, 2015. Collection method: clinical testing. Allele origin: germline. Affected: yes.
Comment: Absent from controls (or at extremely low frequency if recessive) in Genome Aggregation Database, Exome Sequencing Project, 1000 Genomes Project, or Exome Aggregation Consortium.;Multiple lines of computational evidence support a deleterious effect on the gene or gene product (conservation, evolutionary, splicing impact, etc).

NM_001171.6(ABCC6):c.2329G>C (p.Asp777His)

Gene: ABCC6 (ATP binding cassette subfamily C member 6; minus strand). Cytogenetic location: 16p13.11.
Variant type: single nucleotide variant.
Coding change: c.2329G>C on transcript NM_001171.6 (MANE Select); coding-DNA position 2329, G replaced by C.
Protein change: p.Asp777His; replaces aspartic acid 777 with histidine.
Molecular consequence: missense variant. On other transcripts: non-coding transcript variant (1).
Genome position (GRCh38, 1-based): chr16:16,178,884, C>G on the plus strand (G>C on the coding strand, the complement: ABCC6 is on the minus strand). VCF-style: chr16-16178884-C-G. GRCh37 (hg19) VCF-style: chr16-16272741-C-G.
Other names: c.1987G>C, p.Asp663His (NM_001351800.1); short protein forms D663H, D777H.
Identifiers: ClinVar variation 3382640 (VCV003382640.2).